The following is an entry in ClinVar:

ClinVar aggregate classification (germline): Uncertain significance (1 of 4 stars; one submission).

Conditions:
Mucopolysaccharidosis type 1. Also called: IDUA deficiency; MPS I; Mucopolysaccharidosis Type I. Identifiers: Orphanet 579, MedGen C0023786, MONDO:0001586.

gnomAD v4.1: 3 of 1,539,264 alleles (0.00019%); highest among the groups gnomAD compares: Non-Finnish European, 0.00026%; no homozygotes.

Submission:

Labcorp Genetics (formerly Invitae), Labcorp
Classification: Uncertain significance for Mucopolysaccharidosis type 1. Last evaluated: 2025-03-05. Review status: criteria provided, single submitter. Criteria: Invitae Variant Classification Sherloc (09022015). Collection method: clinical testing. Allele origin: germline.
Comment: This sequence change replaces histidine, which is basic and polar, with leucine, which is neutral and non-polar, at codon 539 of the IDUA protein (p.His539Leu). This variant is not present in population databases (gnomAD no frequency). This variant has not been reported in the literature in individuals affected with IDUA-related conditions. Invitae Evidence Modeling of protein sequence and biophysical properties (such as structural, functional, and spatial information, amino acid conservation, physicochemical variation, residue mobility, and thermodynamic stability) has been performed for this missense variant. However, the output from this modeling did not meet the statistical confidence thresholds required to predict the impact of this variant on IDUA protein function. In summary, the available evidence is currently insufficient to determine the role of this variant in disease. Therefore, it has been classified as a Variant of Uncertain Significance.

NM_000203.5(IDUA):c.1616A>T (p.His539Leu)

Gene: IDUA (alpha-L-iduronidase; plus strand). Cytogenetic location: 4p16.3.
Variant type: single nucleotide variant.
Coding change: c.1616A>T on transcript NM_000203.5 (MANE Select); coding-DNA position 1616, A replaced by T.
Protein change: p.His539Leu; replaces histidine 539 with leucine.
Molecular consequence: missense variant. On other transcripts: non-coding transcript variant (1).
Genome position (GRCh38, 1-based): chr4:1,003,436, A>T. VCF-style: chr4-1003436-A-T. GRCh37 (hg19) VCF-style: chr4-997224-A-T.
Other names: c.1220A>T, p.His407Leu (NM_001363576.1); short protein forms H539L, H407L.
Identifiers: ClinVar variation 4760439 (VCV004760439.1).
Genomic context (GRCh38, chr4:1,003,436, plus strand): 5'-CCGCCGGCGGCCGCCTGACCCTGCGCCCCGCGCTGCGGCTGCCGTCGCTTTTGCTGGTGC[A>T]CGTGTGTGCGCGCCCCGAGAAGCCGCCCGGGCAGGCAAGTGGCAGTCCCCTAACCCGCGC-3'
Protein context (NP_000194.2, residues 529-549): ALRLPSLLLV[His539Leu]VCARPEKPPG